The following is an entry in ClinVar:

ClinVar aggregate classification (germline): Uncertain significance. Review status: criteria provided, multiple submitters, no conflicts (2 of 4 stars). 2 submissions from 2 submitters: Uncertain significance (2). Last evaluated 2025-11-19.

Conditions:
Tuberous sclerosis syndrome (TSC). Also called: Tuberous sclerosis; Tuberous Sclerosis Complex. Identifiers: Orphanet 805, MedGen C0041341, MONDO:0001734.
Hereditary cancer-predisposing syndrome. Also called: Neoplastic Syndromes, Hereditary; Hereditary Cancer Syndrome; Tumor predisposition; Hereditary neoplastic syndrome. Identifiers: Orphanet 140162, MedGen C0027672, MeSH D009386, MONDO:0015356.

gnomAD v4.1: 1 of 1,582,982 alleles (0.000063%); highest among the groups gnomAD compares: Non-Finnish European, 0.000086%; no homozygotes.

Submissions (2):

Color Diagnostics, LLC DBA Color Health
Classification: Uncertain significance for Tuberous sclerosis syndrome. Last evaluated: 2025-11-19. Review status: criteria provided, single submitter. Criteria: ACMG Guidelines, 2015. Collection method: clinical testing. Allele origin: germline.
Comment: This missense variant replaces methionine with leucine at codon 286 of the TSC2 protein. Computational predictions are inconclusive regarding the impact of this variant on protein structure and function. To our knowledge, functional studies have not been reported for this variant. This variant has not been reported in individuals affected with TSC2-related disorders in the literature. This variant has been identified in 1/1582982 chromosomes in the general population by the Genome Aggregation Database (gnomAD). The available evidence is insufficient to determine the role of this variant in disease conclusively. Therefore, this variant is classified as a Variant of Uncertain Significance.

Ambry Genetics
Classification: Uncertain significance for Hereditary cancer-predisposing syndrome. Last evaluated: 2023-04-27. Review status: criteria provided, single submitter. Criteria: Ambry Variant Classification Scheme 2023. Collection method: clinical testing. Allele origin: germline.
Comment: The p.M286L variant (also known as c.856A>T), located in coding exon 9 of the TSC2 gene, results from an A to T substitution at nucleotide position 856. The methionine at codon 286 is replaced by leucine, an amino acid with highly similar properties. This amino acid position is well conserved in available vertebrate species. In addition, the in silico prediction for this alteration is inconclusive. Since supporting evidence is limited at this time, the clinical significance of this alteration remains unclear.

NM_000548.5(TSC2):c.856A>T (p.Met286Leu)

Gene: TSC2 (TSC complex subunit 2; plus strand). Cytogenetic location: 16p13.3.
Variant type: single nucleotide variant.
Coding change: c.856A>T on transcript NM_000548.5 (MANE Select); coding-DNA position 856, A replaced by T.
Protein change: p.Met286Leu; replaces methionine 286 with leucine.
Molecular consequence: missense variant. On other transcripts: non-coding transcript variant (5), 5 prime UTR variant (10).
Genome position (GRCh38, 1-based): chr16:2,058,754, A>T. VCF-style: chr16-2058754-A-T. GRCh37 (hg19) VCF-style: chr16-2108755-A-T.
Other names: c.856A>T, p.Met286Leu (NM_001077183.3, NM_001114382.3, NM_001363528.2 and 6 more transcripts); c.745A>T, p.Met249Leu (NM_001318827.2, NM_001406670.1, NM_001406678.1); c.709A>T, p.Met237Leu (NM_001318829.2, NM_001406675.1, NM_001406676.1 and 1 more transcripts); c.256A>T, p.Met86Leu (NM_001318831.2, NM_001406680.1, NM_001406682.1 and 6 more transcripts); c.889A>T, p.Met297Leu (NM_001318832.2); c.394A>T, p.Met132Leu (NM_001406681.1); c.-576A>T (NM_001406689.1, NM_001406690.1, NM_001406691.1 and 4 more transcripts); c.-457A>T (NM_001406694.1, NM_001406695.1); and 4 more; short protein forms M132L, M237L, M249L, M297L, M316L, M282L, M267L, M286L.
Identifiers: ClinVar variation 2564640 (VCV002564640.3), dbSNP rs1800748, ClinGen allele CA394314954.